The following is an entry in ClinVar:

NM_000245.4(MET):c.2693A>T (p.Asn898Ile)

Gene: MET (MET proto-oncogene, receptor tyrosine kinase; plus strand). Cytogenetic location: 7q31.2.
Variant type: single nucleotide variant.
Coding change: c.2693A>T on transcript NM_000245.4 (MANE Select); coding-DNA position 2693, A replaced by T.
Protein change: p.Asn898Ile; replaces asparagine 898 with isoleucine.
Molecular consequence: missense variant.
Genome position (GRCh38, 1-based): chr7:116,769,754, A>T. VCF-style: chr7-116769754-A-T. GRCh37 (hg19) VCF-style: chr7-116409808-A-T.
Other names: c.2747A>T, p.Asn916Ile (NM_001127500.3); c.2693A>T, p.Asn898Ile (NM_001324401.3); c.1403A>T, p.Asn468Ile (NM_001324402.2); short protein forms N916I, N468I, N898I.
Identifiers: ClinVar variation 4843761 (VCV004843761.1).

ClinVar aggregate classification (germline): Uncertain significance (1 of 4 stars; one submission).

Conditions:
Hereditary cancer-predisposing syndrome. Also called: Neoplastic Syndromes, Hereditary; Tumor predisposition; Hereditary Cancer Syndrome; Hereditary neoplastic syndrome. Identifiers: Orphanet 140162, MedGen C0027672, MeSH D009386, MONDO:0015356.

Submission:

Ambry Genetics
Classification: Uncertain significance for Hereditary cancer-predisposing syndrome. Last evaluated: 2025-12-18. Review status: criteria provided, single submitter. Criteria: Ambry Variant Classification Scheme 2023. Collection method: clinical testing. Allele origin: germline.
Comment: The p.N916I variant (also known as c.2747A>T), located in coding exon 11 of the MET gene, results from an A to T substitution at nucleotide position 2747. The asparagine at codon 916 is replaced by isoleucine, an amino acid with dissimilar properties. This amino acid position is conserved. In addition, this alteration is predicted to be tolerated by in silico analysis. Based on the available evidence, the clinical significance of this variant remains unclear.